The following is an entry in ClinVar:

NM_001160148.2(DDHD1):c.1602A>G (p.Val534=)

Gene: DDHD1 (DDHD domain containing 1; minus strand). Cytogenetic location: 14q22.1.
Variant type: single nucleotide variant.
Coding change: c.1602A>G on transcript NM_001160148.2 (MANE Select); coding-DNA position 1602, A replaced by G.
Protein change: p.Val534=; no amino-acid change (valine 534 retained).
Molecular consequence: synonymous variant.
Genome position (GRCh38, 1-based): chr14:53,063,107, T>C on the plus strand (A>G on the coding strand, the complement: DDHD1 is on the minus strand). VCF-style: chr14-53063107-T-C. GRCh37 (hg19) VCF-style: chr14-53529825-T-C.
Other names: c.1623A>G, p.Val541= (NM_001160147.2); c.1602A>G, p.Val534= (NM_030637.3).
Identifiers: ClinVar variation 4872325 (VCV004872325.2).

ClinVar aggregate classification (germline): Likely benign (1 of 4 stars; one submission).

gnomAD v4.1: 6 of 1,614,108 alleles (0.00037%); highest among the groups gnomAD compares: Admixed American, 0.0067%; no homozygotes.

Submission:

CeGaT Center for Human Genetics Tuebingen
Classification: Likely benign. Last evaluated: 2026-04-01. Review status: criteria provided, single submitter. Criteria: CeGaT Center For Human Genetics Tuebingen Variant Classification Criteria Version 2. Collection method: clinical testing. Allele origin: germline. Affected: yes. Observed: 1 variant allele.
Comment: DDHD1: BP4, BP7